The following is an entry in ClinVar:

ClinVar aggregate classification (germline): Pathogenic (1 of 4 stars; one submission).

Conditions:
Severe combined immunodeficiency due to DCLRE1C deficiency (RS-SCID). Also called: SCID, AUTOSOMAL RECESSIVE, T CELL-NEGATIVE, B CELL-NEGATIVE, NK CELL-POSITIVE, WITH SENSITIVITY TO IONIZING RADIATION. Identifiers: Orphanet 275, MedGen C1865371, MONDO:0011225, OMIM 602450.

Submission:

Labcorp Genetics (formerly Invitae), Labcorp
Classification: Pathogenic for Athabaskan severe combined immunodeficiency. Last evaluated: 2023-08-21. Review status: criteria provided, single submitter. Criteria: Invitae Variant Classification Sherloc (09022015). Collection method: clinical testing. Allele origin: germline.
Comment: This variant is not present in population databases (gnomAD no frequency). This sequence change creates a premature translational stop signal (p.Gly515*) in the DCLRE1C gene. While this is not anticipated to result in nonsense mediated decay, it is expected to disrupt the last 178 amino acid(s) of the DCLRE1C protein. This variant has not been reported in the literature in individuals affected with DCLRE1C-related conditions. For these reasons, this variant has been classified as Pathogenic. This variant disrupts a region of the DCLRE1C protein in which other variant(s) (p.Thr557Asnfs*21) have been determined to be pathogenic (PMID: 26476407). This suggests that this is a clinically significant region of the protein, and that variants that disrupt it are likely to be disease-causing. ClinVar contains an entry for this variant (Variation ID: 1378789).

Literature cited by the submitters: PubMed 26476407.

NM_001033855.3(DCLRE1C):c.1543G>T (p.Gly515Ter)

Gene: DCLRE1C (DNA cross-link repair 1C; minus strand). Cytogenetic location: 10p13.
Variant type: single nucleotide variant.
Coding change: c.1543G>T on transcript NM_001033855.3 (MANE Select); coding-DNA position 1543, G replaced by T.
Protein change: p.Gly515Ter; replaces glycine 515 with a stop codon.
Molecular consequence: nonsense. On other transcripts: non-coding transcript variant (4).
Genome position (GRCh38, 1-based): chr10:14,908,944, C>A on the plus strand (G>T on the coding strand, the complement: DCLRE1C is on the minus strand). VCF-style: chr10-14908944-C-A. GRCh37 (hg19) VCF-style: chr10-14950943-C-A.
Other names: c.1183G>T, p.Gly395Ter (NM_001033857.3, NM_001033858.3, NM_001289077.2 and 2 more transcripts); c.1198G>T, p.Gly400Ter (NM_001289076.2, NM_001289078.2, NM_001350966.2 and 1 more transcripts); c.1543G>T, p.Gly515Ter (NM_001350965.2); short protein forms G400*, G395*, G515*.
Identifiers: ClinVar variation 1378789 (VCV001378789.8), dbSNP rs1419439468, ClinGen allele CA376075359.